The following is an entry in ClinVar:

NM_000455.5(STK11):c.1132A>G (p.Ser378Gly)

Gene: STK11 (serine/threonine kinase 11; plus strand). Cytogenetic location: 19p13.3.
Variant type: single nucleotide variant.
Coding change: c.1132A>G on transcript NM_000455.5 (MANE Select); coding-DNA position 1132, A replaced by G.
Protein change: p.Ser378Gly; replaces serine 378 with glycine.
Molecular consequence: missense variant.
Genome position (GRCh38, 1-based): chr19:1,226,477, A>G. VCF-style: chr19-1226477-A-G. GRCh37 (hg19) VCF-style: chr19-1226476-A-G.
Other names: short protein forms S378G.
Identifiers: ClinVar variation 1899793 (VCV001899793.5), dbSNP rs2145435894, ClinGen allele CA402953247.

ClinVar aggregate classification (germline): Uncertain significance (1 of 4 stars; one submission).

Conditions:
Peutz-Jeghers syndrome (PJS). Also called: POLYPOSIS, HAMARTOMATOUS INTESTINAL; POLYPS-AND-SPOTS SYNDROME; Peutz-Jeghers polyposis; Periorificial lentiginosis syndrome. Identifiers: Orphanet 2869, MedGen C0031269, MeSH D010580, MONDO:0008280, OMIM 175200.

Submission:

Labcorp Genetics (formerly Invitae), Labcorp
Classification: Uncertain significance for Peutz-Jeghers syndrome. Last evaluated: 2023-03-21. Review status: criteria provided, single submitter. Criteria: Invitae Variant Classification Sherloc (09022015). Collection method: clinical testing. Allele origin: germline.
Comment: This sequence change replaces serine, which is neutral and polar, with glycine, which is neutral and non-polar, at codon 378 of the STK11 protein (p.Ser378Gly). This variant is not present in population databases (gnomAD no frequency). This variant has not been reported in the literature in individuals affected with STK11-related conditions. ClinVar contains an entry for this variant (Variation ID: 1899793). Advanced modeling of protein sequence and biophysical properties (such as structural, functional, and spatial information, amino acid conservation, physicochemical variation, residue mobility, and thermodynamic stability) performed at Invitae indicates that this missense variant is not expected to disrupt STK11 protein function. In summary, the available evidence is currently insufficient to determine the role of this variant in disease. Therefore, it has been classified as a Variant of Uncertain Significance.